The following is an entry in ClinVar:

ClinVar aggregate classification (germline): Benign (3 of 4 stars; one submission).

Conditions:
Breast-ovarian cancer, familial, susceptibility to, 2 (BROVCA2). Also called: BRCA2 Hereditary Breast and Ovarian Cancer. Identifiers: Orphanet 145, MedGen C2675520, MONDO:0012933, OMIM 612555. Disease mechanism: loss of function.

Allele frequency attached by ClinVar (database versions not stated): 1000 Genomes Project 30x 0.50796; TOPMed 0.50921; 1000 Genomes Project 0.51078; gnomAD 0.52556.
gnomAD v4.1: 78,500 of 151,816 alleles (52%); highest among the groups gnomAD compares: East Asian, 57%; 20,388 homozygotes.

Submission:

Evidence-based Network for the Interpretation of Germline Mutant Alleles (ENIGMA)
Classification: Benign for Breast-ovarian cancer, familial 2. Last evaluated: 2015-01-12. Review status: reviewed by expert panel. Criteria: ENIGMA BRCA1/2 Classification Criteria (2015). Collection method: curation. Allele origin: germline.
Comment: Class 1 not pathogenic based on frequency >1% in an outbred sampleset. Frequency 0.549 (Asian), 0.502 (African), 0.5383 (European), derived from 1000 genomes (2012-04-30).

NM_000059.4(BRCA2):c.9257-6738C>T

Gene: BRCA2 (BRCA2 DNA repair associated; plus strand). Cytogenetic location: 13q13.1.
Variant type: single nucleotide variant.
Coding change: c.9257-6738C>T on transcript NM_000059.4 (MANE Select); 6738 bases into the intron before coding-DNA position 9257, C replaced by T.
Molecular consequence: intron variant.
Genome position (GRCh38, 1-based): chr13:32,387,951, C>T. VCF-style: chr13-32387951-C-T. GRCh37 (hg19) VCF-style: chr13-32962088-C-T.
Other names: IVS 24-6738C>T.
Identifiers: ClinVar variation 209956 (VCV000209956.1), dbSNP rs4570704, ClinGen allele CA276923.